The following is an entry in ClinVar:

NM_002700.3(POU4F3):c.528C>A (p.Cys176Ter)

Genes: POU4F3 (POU class 4 homeobox 3; plus strand), RBM27-POU4F3 (RBM27-POU4F3 readthrough; plus strand). Cytogenetic location: 5q32.
Variant type: single nucleotide variant.
Coding change: c.528C>A on transcript NM_002700.3 (MANE Select); coding-DNA position 528, C replaced by A.
Protein change: p.Cys176Ter; replaces cysteine 176 with a stop codon.
Molecular consequence: nonsense. On other transcripts: 3 prime UTR variant (1).
Genome position (GRCh38, 1-based): chr5:146,339,955, C>A. VCF-style: chr5-146339955-C-A. GRCh37 (hg19) VCF-style: chr5-145719518-C-A.
Other names: c.*397C>A (NM_001414499.1); short protein forms C176*.
Identifiers: ClinVar variation 4537383 (VCV004537383.1).

ClinVar aggregate classification (germline): Likely pathogenic (1 of 4 stars; one submission).

Conditions:
Monogenic hearing loss.

Submission:

Genetics Laboratory, Great Ormond Street Hospital NHS Foundation Trust, North Thames Genomic Laboratory Hub
Classification: Likely pathogenic for Monogenic hearing loss. Last evaluated: 2025-10-13. Review status: criteria provided, single submitter. Criteria: ACGS Best Practice Guidelines for Variant Classification in Rare Disease 2024 v1.2. Collection method: clinical testing. Allele origin: germline. Affected: yes.
Comment: PS4_supporting, PM2_moderate, PVS1_strong